The following is an entry in ClinVar:

NM_000218.3(KCNQ1):c.1394-21963del

Genes: KCNQ1 (potassium voltage-gated channel subfamily Q member 1; plus strand), KCNQ1OT1 (KCNQ1 opposite strand/antisense transcript 1; minus strand). Cytogenetic location: 11p15.5.
Variant type: Deletion.
Coding change: c.1394-21963del on transcript NM_000218.3 (MANE Select); 21963 bases into the intron before coding-DNA position 1394, one base deleted (C; older notation c.1394-21963delC).
Molecular consequence: intron variant. On other transcripts: non-coding transcript variant (1).
Genome position (GRCh38, 1-based): chr11:2,639,998, C deleted; the last of 3 consecutive C bases (chr11:2,639,996-2,639,998); deleting any one gives the same sequence. VCF-style (leftmost placement, unchanged base first): chr11-2639995-AC-A. GRCh37 (hg19) VCF-style: chr11-2661225-AC-A.
Other names: c.1124-21963del (NM_001406837.1); c.1298-21963del (NM_001406836.1); c.854-21963del (NM_001406838.1); c.1013-21963del (NM_181798.2).
Identifiers: ClinVar variation 4985351 (VCV004985351.1).
Genomic context (GRCh38, chr11:2,639,995, plus strand): 5'-GCCTTGCAGTTCGATCTCAGACTGCTGTGCTAGCAATGAGCGAGGCTCCATGGGCGTGGG[AC>A]CCTCCGAGCCAGGCGCGGGATATAATCTCCTGGTGTGCCGTTTGCTAAGACCATTGGAAA-3'

ClinVar aggregate classification (germline): Likely benign (1 of 4 stars; one submission).

Conditions:
KCNQ1-related disorder. Also called: KCNQ1-related disorders; KCNQ1-related condition. Identifiers: MedGen CN239322.

Submission:

PreventionGenetics, part of Exact Sciences
Classification: Likely benign for KCNQ1-related condition. Last evaluated: 2025-11-20. Review status: criteria provided, single submitter. Criteria: ACMG Guidelines, 2015. Collection method: clinical testing. Allele origin: germline.
Comment: This variant is classified as likely benign based on ACMG/AMP sequence variant interpretation guidelines (Richards et al. 2015 PMID: 25741868, with internal and published modifications).